The following is an entry in ClinVar:

NM_001077365.2(POMT1):c.2098G>A (p.Gly700Arg)

Gene: POMT1 (protein O-mannosyltransferase 1; plus strand). Cytogenetic location: 9q34.13.
Variant type: single nucleotide variant.
Coding change: c.2098G>A on transcript NM_001077365.2 (MANE Select); coding-DNA position 2098, G replaced by A.
Protein change: p.Gly700Arg; replaces glycine 700 with arginine.
Molecular consequence: missense variant. On other transcripts: non-coding transcript variant (10).
Genome position (GRCh38, 1-based): chr9:131,523,026, G>A. VCF-style: chr9-131523026-G-A. GRCh37 (hg19) VCF-style: chr9-134398413-G-A.
Other names: c.2002G>A, p.Gly668Arg (NM_001353198.2, NM_001353197.2); c.1813G>A, p.Gly605Arg (NM_001353199.2); c.1642G>A, p.Gly548Arg (NM_001353200.2); c.2086G>A, p.Gly696Arg (NM_001374689.1); c.1879G>A, p.Gly627Arg (NM_001374690.1); c.1747G>A, p.Gly583Arg (NM_001374691.1, NM_001374692.1, NM_001374693.1 and 2 more transcripts); c.1708G>A, p.Gly570Arg (NM_001374695.1); c.2164G>A, p.Gly722Arg (NM_007171.4, NM_001353193.2); and 3 more; short protein forms G548R, G570R, G583R, G605R, G627R, G646R, G668R, G670R.
Identifiers: ClinVar variation 1098277 (VCV001098277.4), dbSNP rs912556508, ClinGen allele CA375315239.

ClinVar aggregate classification (germline): Conflicting classifications of pathogenicity. Review status: criteria provided, conflicting classifications (1 of 4 stars). 3 submissions from 3 submitters: Likely pathogenic (2); Uncertain significance (1). Last evaluated 2023-07-27.

Conditions:
Muscular dystrophy-dystroglycanopathy (congenital with brain and eye anomalies), type A1 (MDDGA1). Also called: Muscular dystrophy-dystroglycanopathy (congenital with brain and eye anomalies), type A, 1; COD-MD SYNDROME; WALKER-WARBURG SYNDROME OR MUSCLE-EYE-BRAIN DISEASE, POMT1-RELATED; Hydrocephalus, agyria and retinal dysplasia; Hard +/- E syndrome; Warburg syndrome. Identifiers: Orphanet 588, Orphanet 899, MedGen C4284790, MONDO:0009364, OMIM 236670.
Muscular dystrophy-dystroglycanopathy (congenital with impaired intellectual development), type B, 1. Also called: Muscular dystrophy-dystroglycanopathy (congenital with intellectual disability), type B1; MUSCULAR DYSTROPHY, CONGENITAL, POMT1-RELATED. Identifiers: MedGen C5436962, MONDO:0013159, OMIM 613155.
Autosomal recessive limb-girdle muscular dystrophy type 2K. Also called: MUSCULAR DYSTROPHY-DYSTROGLYCANOPATHY (LIMB-GIRDLE), TYPE C, 1; MUSCULAR DYSTROPHY, LIMB-GIRDLE, TYPE 2K. Identifiers: Orphanet 86812, MedGen C1836373, MONDO:0012248, OMIM 609308.

Allele frequency attached by ClinVar (database versions not stated): gnomAD 0.00001 and 0.00002; gnomAD exomes 0.00001; TOPMed 0.00002.
gnomAD v4.1: 12 of 1,610,518 alleles (0.00075%); highest among the groups gnomAD compares: African/African-American, 0.0027%; no homozygotes.

Submissions (3):

Women's Health and Genetics/Laboratory Corporation of America, LabCorp
Classification: Uncertain significance. Last evaluated: 2023-07-27. Review status: criteria provided, single submitter. Criteria: LabCorp Variant Classification Summary - May 2015. Collection method: clinical testing. Allele origin: germline.
Comment: Variant summary: POMT1 c.2164G>A (p.Gly722Arg) results in a non-conservative amino acid change located in the Protein O-mannosyl-transferase, C-terminal four TM domain (IPR032421) of the encoded protein sequence. Five of five in-silico tools predict a damaging effect of the variant on protein function. The variant allele was found at a frequency of 8e-06 in 248746 control chromosomes. c.2164G>A has been reported in the literature in at least three compound heterozygous individuals affected with limb-girdle muscular dystrophy or congenital muscular dystrophy (e.g. Stevens_2013, Song_2021, Zhai_2021). These data indicate that the variant may be associated with disease. To our knowledge, no experimental evidence demonstrating an impact on protein function has been reported. The following publications have been ascertained in the context of this evaluation (PMID: 33200426, 23894383, 34015165). One submitter has cited clinical-significance assessments for this variant to ClinVar after 2014 and has classified the variant as likely pathogenic. Based on the evidence outlined above, the variant was classified as VUS-possibly pathogenic.

Genetics and Prenatal Diagnosis Center, The First Affiliated Hospital of Zhengzhou University
Classification: Likely pathogenic for Muscular dystrophy-dystroglycanopathy (congenital with impaired intellectual development), type B, 1. Last evaluated: 2021-05-13. Review status: criteria provided, single submitter. Criteria: ACMG Guidelines, 2015. Collection method: clinical testing. Allele origin: germline. Affected: yes.

Juno Genomics, Hangzhou Juno Genomics, Inc
Classification: Likely pathogenic for Muscular dystrophy-dystroglycanopathy (congenital with impaired intellectual development), type B, 1; Muscular dystrophy-dystroglycanopathy (congenital with brain and eye anomalies), type A1; Autosomal recessive limb-girdle muscular dystrophy type 2K. Review status: criteria provided, single submitter. Criteria: ACMG Guidelines, 2015. Collection method: clinical testing. Allele origin: germline.
Comment: Absent from controls (or at extremely low frequency if recessive) in Genome Aggregation Database.;Multiple lines of computational evidence support a deleterious effect on the gene or gene product.;Patient's phenotype or family history is highly specific for a disease with a single genetic etiology.;For recessive disorders, detected in trans with a pathogenic variant.

Literature cited by the submitters: PubMed 23894383 (cited by Women's Health and Genetics/Laboratory Corporation of America, LabCorp); PubMed 33200426 (cited by Women's Health and Genetics/Laboratory Corporation of America, LabCorp); PubMed 34015165 (cited by Women's Health and Genetics/Laboratory Corporation of America, LabCorp).